The following is an entry in ClinVar:

NM_018089.3(ANKZF1):c.884_887dup (p.Leu296fs)

Gene: ANKZF1 (ankyrin repeat and zinc finger peptidyl tRNA hydrolase 1; plus strand). Cytogenetic location: 2q35.
Variant type: Duplication.
Coding change: c.884_887dup on transcript NM_018089.3 (MANE Select); coding-DNA positions 884 to 887, 4 bases duplicated (TGTT; older notation c.884_887dupTGTT).
Protein change: p.Leu296fs; shifts the reading frame from leucine 296.
Molecular consequence: frameshift variant.
Genome position (GRCh38, 1-based): chr2:219,233,779-219,233,782, TGTT duplicated. VCF-style (leftmost placement, unchanged base first): chr2-219233778-C-CTGTT. GRCh37 (hg19) VCF-style: chr2-220098500-C-CTGTT.
Other names: c.884_887dup, p.Leu296fs (NM_001042410.2); c.254_257dup, p.Leu86fs (NM_001282792.2); short protein forms L296fs, L86fs.
Identifiers: ClinVar variation 4799079 (VCV004799079.1).
Genomic context (GRCh38, chr2:219,233,778, plus strand): 5'-GTTCGTGACCTGCTGGCAGGGCCAAGCTGGGCTAAGGCGCTGGAGGAGGCTGGTACAATA[C>CTGTT]TGTTGCGTGCTCCCCGCTCTGGCCGGTCTTTGTTCTTTGGAGGCAAGGGAGCACCCCTGC-3'

ClinVar aggregate classification (germline): Uncertain significance (1 of 4 stars; one submission).

Submission:

Labcorp Genetics (formerly Invitae), Labcorp
Classification: Uncertain significance. Last evaluated: 2025-09-24. Review status: criteria provided, single submitter. Criteria: Invitae Variant Classification Sherloc (09022015). Collection method: clinical testing. Allele origin: germline.
Comment: This sequence change creates a premature translational stop signal (p.Leu296Phefs*48) in the ANKZF1 gene. It is expected to result in an absent or disrupted protein product. However, the current clinical and genetic evidence is not sufficient to establish whether loss-of-function variants in ANKZF1 cause disease. This variant is not present in population databases (gnomAD no frequency). This variant has not been reported in the literature in individuals affected with ANKZF1-related conditions. Algorithms developed to predict the effect of sequence changes on RNA splicing suggest that this variant may disrupt the consensus splice site. In summary, the available evidence is currently insufficient to determine the role of this variant in disease. Therefore, it has been classified as a Variant of Uncertain Significance.